The following is an entry in ClinVar:

NM_014000.3(VCL):c.865G>T (p.Ala289Ser)

Gene: VCL (vinculin; plus strand). Cytogenetic location: 10q22.2.
Variant type: single nucleotide variant.
Coding change: c.865G>T on transcript NM_014000.3 (MANE Select); coding-DNA position 865, G replaced by T.
Protein change: p.Ala289Ser; replaces alanine 289 with serine.
Molecular consequence: missense variant.
Genome position (GRCh38, 1-based): chr10:74,082,535, G>T. VCF-style: chr10-74082535-G-T. GRCh37 (hg19) VCF-style: chr10-75842293-G-T.
Other names: c.865G>T, p.Ala289Ser (NM_003373.4); short protein forms A289S.
Identifiers: ClinVar variation 4768746 (VCV004768746.1).

ClinVar aggregate classification (germline): Uncertain significance (1 of 4 stars; one submission).

Conditions:
Dilated cardiomyopathy 1W (CMD1W). Identifiers: Orphanet 154, MedGen C1969639, MONDO:0012667, OMIM 611407.

gnomAD v4.1: 2 of 1,614,042 alleles (0.00012%); highest among the groups gnomAD compares: South Asian, 0.0011%; no homozygotes.

Submission:

Labcorp Genetics (formerly Invitae), Labcorp
Classification: Uncertain significance for Dilated cardiomyopathy 1W. Last evaluated: 2025-02-04. Review status: criteria provided, single submitter. Criteria: Invitae Variant Classification Sherloc (09022015). Collection method: clinical testing. Allele origin: germline.
Comment: This sequence change replaces alanine, which is neutral and non-polar, with serine, which is neutral and polar, at codon 289 of the VCL protein (p.Ala289Ser). This variant is not present in population databases (gnomAD no frequency). This variant has not been reported in the literature in individuals affected with VCL-related conditions. An algorithm developed to predict the effect of missense changes on protein structure and function (PolyPhen-2) suggests that this variant is likely to be tolerated. In summary, the available evidence is currently insufficient to determine the role of this variant in disease. Therefore, it has been classified as a Variant of Uncertain Significance.